The following is an entry in ClinVar:

NM_032360.4(ACBD6):c.288-1G>A

Gene: ACBD6 (acyl-CoA binding domain containing 6; minus strand). Cytogenetic location: 1q25.3.
Variant type: single nucleotide variant.
Coding change: c.288-1G>A on transcript NM_032360.4 (MANE Select); the canonical splice acceptor site of the intron before coding-DNA position 288, G replaced by A.
Molecular consequence: splice acceptor variant.
Genome position (GRCh38, 1-based): chr1:180,492,366, C>T on the plus strand (G>A on the coding strand, the complement: ACBD6 is on the minus strand). VCF-style: chr1-180492366-C-T. GRCh37 (hg19) VCF-style: chr1-180461501-C-T.
Identifiers: ClinVar variation 3997611 (VCV003997611.1).
Genomic context (GRCh38, chr1:180,492,366, plus strand): 5'-GCGATATATTCCTGCATTGCTTGGCTGGGGCTTGAATCACCAAGTGCTTTCCAAGCTTCC[C>T]TACAATATGGAATATCCAAAATGGCCTGTCATTATGCAAATAACACAAACAGCATTTTTC-3'

ClinVar aggregate classification (germline): Likely pathogenic (1 of 4 stars; one submission).

Conditions:
Inborn genetic diseases. Identifiers: MedGen C0950123, MeSH D030342.

Submission:

Ambry Genetics
Classification: Likely pathogenic for Inborn genetic diseases. Last evaluated: 2025-05-16. Review status: criteria provided, single submitter. Criteria: Ambry Variant Classification Scheme 2023. Collection method: clinical testing. Allele origin: germline.
Comment: The c.288-1G>A intronic variant results from a G to A substitution one nucleotide before coding exon 3 of the ACBD6 gene. Alterations that disrupt the canonical splice site are expected to cause aberrant splicing, resulting in an abnormal protein or a transcript that is subject to nonsense-mediated mRNA decay. Based on data from gnomAD, the A allele has an overall frequency of 0.003% (1/31386) total alleles studied. This nucleotide position is highly conserved in available vertebrate species. In silico splice site analysis predicts that this alteration will weaken the native splice acceptor site and will result in the creation or strengthening of a novel splice acceptor site. Based on the available evidence, this alteration is classified as likely pathogenic.